The following is an entry in ClinVar:

ClinVar aggregate classification (germline): Conflicting classifications of pathogenicity. Review status: criteria provided, conflicting classifications (1 of 4 stars). 8 submissions from 8 submitters: Uncertain significance (1); Benign (1); Likely benign (4). 2 of the submissions do not count toward it. Last evaluated 2026-02-01.

Conditions:
Werner syndrome (WRN). Identifiers: Orphanet 902, MedGen C0043119, MONDO:0010196, OMIM 277700.

Allele frequency attached by ClinVar (database versions not stated): 1000 Genomes Project 30x 0.00016; 1000 Genomes Project 0.00020; gnomAD exomes 0.00032 and 0.00055; ExAC 0.00035; TOPMed 0.00039; gnomAD 0.00044 and 0.00045; ESP Exome Variant Server 0.00054.
gnomAD v4.1: 871 of 1,613,458 alleles (0.054%); highest among the groups gnomAD compares: African/African-American, 0.077%; no homozygotes.

Submissions (8):

CeGaT Center for Human Genetics Tuebingen
Classification: Likely benign. Last evaluated: 2026-02-01. Review status: criteria provided, single submitter. Criteria: CeGaT Center For Human Genetics Tuebingen Variant Classification Criteria Version 2. Collection method: clinical testing. Allele origin: germline. Affected: yes. Observed: 4 variant alleles.
Comment: WRN: BP4, BP7

Labcorp Genetics (formerly Invitae), Labcorp
Classification: Likely benign for Werner syndrome. Last evaluated: 2026-01-27. Review status: criteria provided, single submitter. Criteria: Invitae Variant Classification Sherloc (09022015). Collection method: clinical testing. Allele origin: germline.

Mayo Clinic Laboratories, Mayo Clinic
Classification: Likely benign. Last evaluated: 2025-08-27. Review status: criteria provided, single submitter. Criteria: ACMG Guidelines, 2015. Collection method: clinical testing. Allele origin: germline. Observed: 1 variant allele.
Comment: BP4, BP7

KCCC/NGS Laboratory, Kuwait Cancer Control Center
Classification: Benign for Werner syndrome. Last evaluated: 2025-02-01. Review status: criteria provided, single submitter. Criteria: ACMG Guidelines, 2015. Collection method: clinical testing. Allele origin: germline. Affected: no.

Blueprint Genetics
Classification: Likely benign. Last evaluated: 2024-11-26. Review status: criteria provided, single submitter. Criteria: ACMG Guidelines, 2015. Collection method: clinical testing. Allele origin: germline.

Illumina Laboratory Services, Illumina
Classification: Uncertain significance for Werner syndrome. Last evaluated: 2018-01-12. Review status: criteria provided, single submitter. Criteria: ICSL Variant Classification Criteria 13 December 2019. Collection method: clinical testing. Allele origin: germline.

Clinical Genetics DNA and cytogenetics Diagnostics Lab, Erasmus MC, Erasmus Medical Center
Classification: Likely benign. Review status: no assertion criteria provided. Collection method: clinical testing. Allele origin: germline. Affected: yes. Study: VKGL Data-share Consensus. Not counted in ClinVar's aggregate classification.

Genome Diagnostics Laboratory, Amsterdam University Medical Center
Classification: Likely benign. Review status: no assertion criteria provided. Collection method: clinical testing. Allele origin: germline. Affected: yes. Study: VKGL Data-share Consensus. Not counted in ClinVar's aggregate classification.

NM_000553.6(WRN):c.3738G>A (p.Leu1246=)

Gene: WRN (WRN RecQ like helicase; plus strand). Cytogenetic location: 8p12.
Variant type: single nucleotide variant.
Coding change: c.3738G>A on transcript NM_000553.6 (MANE Select); coding-DNA position 3738, G replaced by A.
Protein change: p.Leu1246=; no amino-acid change (leucine 1246 retained).
Molecular consequence: synonymous variant.
Genome position (GRCh38, 1-based): chr8:31,154,674, G>A. VCF-style: chr8-31154674-G-A. GRCh37 (hg19) VCF-style: chr8-31012190-G-A.
Other names: p.Leu1246=.
Identifiers: ClinVar variation 238161 (VCV000238161.44), dbSNP rs147117969, ClinGen allele CA4705168.